The following is an entry in ClinVar:

ClinVar aggregate classification (germline): Likely pathogenic (1 of 4 stars; one submission).

Conditions:
Fanconi anemia complementation group O. Also called: RAD51C-Related Fanconi Anemia. Identifiers: Orphanet 84, MedGen C3150653, MONDO:0013248, OMIM 613390.

Submission:

Labcorp Genetics (formerly Invitae), Labcorp
Classification: Likely pathogenic for Fanconi anemia complementation group O. Last evaluated: 2023-07-06. Review status: criteria provided, single submitter. Criteria: Invitae Variant Classification Sherloc (09022015). Collection method: clinical testing. Allele origin: germline.
Comment: This variant is not present in population databases (gnomAD no frequency). This variant has not been reported in the literature in individuals affected with RAD51C-related conditions. ClinVar contains an entry for this variant (Variation ID: 2112061). Variants that disrupt the consensus splice site are a relatively common cause of aberrant splicing (PMID: 17576681, 9536098). Studies have shown that this variant results in skipping of exon 7 and introduces a premature termination codon (Invitae). The resulting mRNA is expected to undergo nonsense-mediated decay. In summary, the currently available evidence indicates that the variant is pathogenic, but additional data are needed to prove that conclusively. Therefore, this variant has been classified as Likely Pathogenic. This sequence change falls in intron 7 of the RAD51C gene. It does not directly change the encoded amino acid sequence of the RAD51C protein. RNA analysis indicates that this variant induces altered splicing and may result in an absent or disrupted protein product.

Literature cited by the submitters: PubMed 17576681; PubMed 9536098.

NM_058216.3(RAD51C):c.965+6T>A

Gene: RAD51C (RAD51 paralog C; plus strand). Cytogenetic location: 17q22.
Variant type: single nucleotide variant.
Coding change: c.965+6T>A on transcript NM_058216.3 (MANE Select); 6 bases into the intron after coding-DNA position 965, T replaced by A.
Molecular consequence: intron variant.
Genome position (GRCh38, 1-based): chr17:58,724,106, T>A. VCF-style: chr17-58724106-T-A. GRCh37 (hg19) VCF-style: chr17-56801467-T-A.
Identifiers: ClinVar variation 2112061 (VCV002112061.4), dbSNP rs2143963488, ClinGen allele CA2580094307.